The following is an entry in ClinVar:

ClinVar aggregate classification (germline): Uncertain significance (1 of 4 stars; one submission).

Allele frequency attached by ClinVar (database versions not stated): gnomAD exomes 0.00001.
gnomAD v4.1: 8 of 1,611,602 alleles (0.0005%); highest among the groups gnomAD compares: Non-Finnish European, 0.00059%; no homozygotes.

Submission:

Labcorp Genetics (formerly Invitae), Labcorp
Classification: Uncertain significance. Last evaluated: 2023-12-21. Review status: criteria provided, single submitter. Criteria: Invitae Variant Classification Sherloc (09022015). Collection method: clinical testing. Allele origin: germline.
Comment: This sequence change replaces histidine, which is basic and polar, with tyrosine, which is neutral and polar, at codon 2695 of the FBN3 protein (p.His2695Tyr). This variant is present in population databases (no rsID available, gnomAD 0.0009%). This variant has not been reported in the literature in individuals affected with FBN3-related conditions. ClinVar contains an entry for this variant (Variation ID: 1985911). Algorithms developed to predict the effect of missense changes on protein structure and function output the following: SIFT: "Not Available"; PolyPhen-2: "Benign"; Align-GVGD: "Not Available". The tyrosine amino acid residue is found in multiple mammalian species, which suggests that this missense change does not adversely affect protein function. In summary, the available evidence is currently insufficient to determine the role of this variant in disease. Therefore, it has been classified as a Variant of Uncertain Significance.

NM_032447.5(FBN3):c.8083C>T (p.His2695Tyr)

Gene: FBN3 (fibrillin 3; minus strand). Cytogenetic location: 19p13.2.
Variant type: single nucleotide variant.
Coding change: c.8083C>T on transcript NM_032447.5 (MANE Select); coding-DNA position 8083, C replaced by T.
Protein change: p.His2695Tyr; replaces histidine 2695 with tyrosine.
Molecular consequence: missense variant.
Genome position (GRCh38, 1-based): chr19:8,072,053, G>A on the plus strand (C>T on the coding strand, the complement: FBN3 is on the minus strand). VCF-style: chr19-8072053-G-A. GRCh37 (hg19) VCF-style: chr19-8136937-G-A.
Other names: c.8083C>T, p.His2695Tyr (NM_001321431.2); short protein forms H2695Y.
Identifiers: ClinVar variation 1985911 (VCV001985911.4), dbSNP rs930019198, ClinGen allele CA304937317.
Genomic context (GRCh38, chr19:8,072,053, plus strand): 5'-TTCCCACACTCACCCATTCCCTGGCCACCCCTGCCTAGTGCAGCACCCATGTCACCTGGT[G>A]GTCCCTGTGGGCACTGCGTCGTGGCCGGTCCCGAGGGGAGAGGCCATTGATCTTGCATTC-3'
Protein context (NP_115823.3, residues 2685-2705): DRPRRSAHRD[His2695Tyr]QVNLATLDSE